The following is an entry in ClinVar:

ClinVar aggregate classification (germline): Pathogenic (1 of 4 stars; one submission).

Conditions:
Breast-ovarian cancer, familial, susceptibility to, 2 (BROVCA2). Also called: BRCA2 Hereditary Breast and Ovarian Cancer. Identifiers: Orphanet 145, MedGen C2675520, MONDO:0012933, OMIM 612555. Disease mechanism: loss of function.

Submission:

Myriad Genetics, Inc.
Classification: Pathogenic for Breast-ovarian cancer, familial, susceptibility to, 2. Last evaluated: 2026-08-13. Review status: criteria provided, single submitter. Criteria: Myriad Autosomal Dominant, Autosomal Recessive and X-Linked Classification Criteria (2023). Collection method: clinical testing. Allele origin: unknown.
Comment: This variant is considered pathogenic. This variant creates a termination codon and is predicted to result in premature protein truncation.

NM_000059.4(BRCA2):c.1408G>T (p.Glu470Ter)

Gene: BRCA2 (BRCA2 DNA repair associated; plus strand). Cytogenetic location: 13q13.1.
Variant type: single nucleotide variant.
Coding change: c.1408G>T on transcript NM_000059.4 (MANE Select); coding-DNA position 1408, G replaced by T.
Protein change: p.Glu470Ter; replaces glutamic acid 470 with a stop codon.
Molecular consequence: nonsense. On other transcripts: non-coding transcript variant (1), intron variant (1).
Genome position (GRCh38, 1-based): chr13:32,332,886, G>T. VCF-style: chr13-32332886-G-T. GRCh37 (hg19) VCF-style: chr13-32907023-G-T.
Other names: c.1408G>T, p.Glu470Ter (NM_001406719.1, NM_001406720.1, NM_001406721.1 and 1 more transcripts); c.424+1856G>T (NM_001406722.1); short protein forms E470*.
Identifiers: ClinVar variation 5042478 (VCV005042478.1).